The following is an entry in ClinVar:

ClinVar aggregate classification (germline): Uncertain significance (1 of 4 stars; one submission).

gnomAD v4.1: 1 of 1,614,156 alleles (0.000062%); highest among the groups gnomAD compares: Non-Finnish European, 0.000085%; no homozygotes.

Submission:

Labcorp Genetics (formerly Invitae), Labcorp
Classification: Uncertain significance. Last evaluated: 2025-10-26. Review status: criteria provided, single submitter. Criteria: Invitae Variant Classification Sherloc (09022015). Collection method: clinical testing. Allele origin: germline.
Comment: This sequence change replaces isoleucine, which is neutral and non-polar, with valine, which is neutral and non-polar, at codon 1060 of the HPS5 protein (p.Ile1060Val). This variant is not present in population databases (gnomAD no frequency). This variant has not been reported in the literature in individuals affected with HPS5-related conditions. An algorithm developed to predict the effect of missense changes on protein structure and function outputs the following: PolyPhen-2: "Benign". The valine amino acid residue is found in multiple mammalian species, which suggests that this missense change does not adversely affect protein function. In summary, the available evidence is currently insufficient to determine the role of this variant in disease. Therefore, it has been classified as a Variant of Uncertain Significance.

NM_181507.2(HPS5):c.3178A>G (p.Ile1060Val)

Gene: HPS5 (HPS5 biogenesis of lysosomal organelles complex 2 subunit 2; minus strand). Cytogenetic location: 11p15.1.
Variant type: single nucleotide variant.
Coding change: c.3178A>G on transcript NM_181507.2 (MANE Select); coding-DNA position 3178, A replaced by G.
Protein change: p.Ile1060Val; replaces isoleucine 1060 with valine.
Molecular consequence: missense variant.
Genome position (GRCh38, 1-based): chr11:18,282,101, T>C on the plus strand (A>G on the coding strand, the complement: HPS5 is on the minus strand). VCF-style: chr11-18282101-T-C. GRCh37 (hg19) VCF-style: chr11-18303648-T-C.
Other names: c.3178A>G, p.Ile1060Val (NM_001440902.1, NM_001440903.1, NM_001440905.1 and 1 more transcripts); c.3235A>G, p.Ile1079Val (NM_001440904.1); c.3103A>G, p.Ile1035Val (NM_001440907.1, NM_001440908.1, NM_001440909.1); c.3067A>G, p.Ile1023Val (NM_001440913.1, NM_001440914.1, NM_001440915.1); c.3058A>G, p.Ile1020Val (NM_001440916.1); c.3022A>G, p.Ile1008Val (NM_001440917.1); c.2992A>G, p.Ile998Val (NM_001440918.1); c.2965A>G, p.Ile989Val (NM_001440919.1); and 5 more; short protein forms I1008V, I906V, I946V, I965V, I1060V, I775V, I922V, I989V.
Identifiers: ClinVar variation 4782220 (VCV004782220.1).